The following is an entry in ClinVar:

NM_001321075.3(DLG4):c.334A>G (p.Arg112Gly)

Gene: DLG4 (discs large MAGUK scaffold protein 4; minus strand). Cytogenetic location: 17p13.1.
Variant type: single nucleotide variant.
Coding change: c.334A>G on transcript NM_001321075.3 (MANE Select); coding-DNA position 334, A replaced by G.
Protein change: p.Arg112Gly; replaces arginine 112 with glycine.
Molecular consequence: missense variant. On other transcripts: non-coding transcript variant (1).
Genome position (GRCh38, 1-based): chr17:7,203,693, T>C on the plus strand (A>G on the coding strand, the complement: DLG4 is on the minus strand). VCF-style: chr17-7203693-T-C. GRCh37 (hg19) VCF-style: chr17-7107012-T-C.
Other names: c.154A>G, p.Arg52Gly (NM_001321076.3, NM_001321077.3); c.463A>G, p.Arg155Gly (NM_001365.5); c.253A>G, p.Arg85Gly (NM_001369566.3); c.325A>G, p.Arg109Gly (NM_001128827.4); c.454A>G, p.Arg152Gly (NM_001321074.1); short protein forms R109G, R152G, R155G, R85G, R112G, R52G.
Identifiers: ClinVar variation 5035356 (VCV005035356.1).

ClinVar aggregate classification (germline): Uncertain significance (1 of 4 stars; one submission).

Conditions:
Inborn genetic diseases. Identifiers: MedGen C0950123, MeSH D030342.

Submission:

Ambry Genetics
Classification: Uncertain significance for Inborn genetic diseases. Last evaluated: 2026-07-14. Review status: criteria provided, single submitter. Criteria: Ambry Variant Classification Scheme 2023. Collection method: clinical testing. Allele origin: germline.
Comment: The c.325A>G (p.R109G) alteration is located in exon 5 (coding exon 5) of the DLG4 gene. This alteration results from a A to G substitution at nucleotide position 325, causing the arginine (R) at amino acid position 109 to be replaced by a glycine (G). This variant was not reported in population-based cohorts in the Genome Aggregation Database (gnomAD). This amino acid position is not well conserved in available vertebrate species. This missense variant is located in a region that has a low rate of benign missense variation (Lek, 2016; Firth, 2009). This amino acid alteration is predicted to be tolerated by in silico analysis. In silico splice site analysis predicts that this nucleotide alteration may weaken the native splice donor site and will result in the creation or strengthening of a novel splice donor site. Based on insufficient or conflicting evidence, the clinical significance of this alteration remains unclear.